The following is an entry in ClinVar:

NM_018676.4(THSD1):c.1561C>T (p.Gln521Ter)

Gene: THSD1 (thrombospondin type 1 domain containing 1; minus strand). Cytogenetic location: 13q14.3.
Variant type: single nucleotide variant.
Coding change: c.1561C>T on transcript NM_018676.4 (MANE Select); coding-DNA position 1561, C replaced by T.
Protein change: p.Gln521Ter; replaces glutamine 521 with a stop codon.
Molecular consequence: nonsense.
Genome position (GRCh38, 1-based): chr13:52,378,409, G>A on the plus strand (C>T on the coding strand, the complement: THSD1 is on the minus strand). VCF-style: chr13-52378409-G-A. GRCh37 (hg19) VCF-style: chr13-52952544-G-A.
Other names: c.1402C>T, p.Gln468Ter (NM_199263.3); short protein forms Q521*, Q468*.
Identifiers: ClinVar variation 2443745 (VCV002443745.2), dbSNP rs2547596958, ClinGen allele CA388022584.
Genomic context (GRCh38, chr13:52,378,409, plus strand): 5'-TCATCTCCTTTAACTGCTGCTGGGCAAGGCGGTAGCTGAACAGAGGTGGGATTATCTTCT[G>A]GGCGTTGGACTGGAAGCTCTCGCTGCCAGAGGCATCATCCTCGGGAGGTACCGGCCCGCT-3'

ClinVar aggregate classification (germline): Likely pathogenic. Review status: criteria provided, single submitter (1 of 4 stars). 2 submissions from 2 submitters: Likely pathogenic (1). 1 of the submissions does not count toward it. Last evaluated 2024-06-24.

Conditions:
Lymphatic malformation 13 (LMPHM13). Also called: HYDROPS FETALIS, NONIMMUNE, WITH CARDIAC DEFECTS AND HEMANGIOMAS. Identifiers: MedGen C5830279, MONDO:0859379, OMIM 620244.

Submissions (2):

3billion
Classification: Likely pathogenic for Lymphatic malformation 13. Last evaluated: 2024-06-24. Review status: criteria provided, single submitter. Criteria: ACMG Guidelines, 2015. Collection method: clinical testing. Allele origin: germline. Affected: yes.
Comment: The variant is not observed in the gnomAD v4.0.0 dataset. Predicted Consequence/Location: Stop-gained (nonsense): predicted to result in a loss or disruption of normal protein function through protein truncation. The predicted truncated protein may be shortened by more than 10%. The variant has been reported to be associated with THSD1 related disorder (ClinVar ID: VCV002443745 /PMID: 33569873). Therefore, this variant is classified as Likely pathogenic according to the recommendation of ACMG/AMP guideline.

OMIM
Classification: Pathogenic for LYMPHATIC MALFORMATION 13. Last evaluated: 2023-02-10. Review status: no assertion criteria provided. Collection method: literature only. Allele origin: germline. Not counted in ClinVar's aggregate classification.

Literature cited by the submitters: PubMed 33569873 (cited by 3billion and OMIM).